The following is an entry in ClinVar:

NM_000257.4(MYH7):c.3419C>T (p.Ser1140Phe)

Gene: MYH7 (myosin heavy chain 7; minus strand). Cytogenetic location: 14q11.2.
Variant type: single nucleotide variant.
Coding change: c.3419C>T on transcript NM_000257.4 (MANE Select); coding-DNA position 3419, C replaced by T.
Protein change: p.Ser1140Phe; replaces serine 1140 with phenylalanine.
Molecular consequence: missense variant.
Genome position (GRCh38, 1-based): chr14:23,420,152, G>A on the plus strand (C>T on the coding strand, the complement: MYH7 is on the minus strand). VCF-style: chr14-23420152-G-A. GRCh37 (hg19) VCF-style: chr14-23889361-G-A.
Other names: c.3419C>T, p.Ser1140Phe (NM_001407004.1); short protein forms S1140F.
Identifiers: ClinVar variation 3626120 (VCV003626120.1).
Genomic context (GRCh38, chr14:23,420,152, plus strand): 5'-TGCACGGACGTGGCCCCGCCGGCCTCTTCCAGCCGCTCGCTGATCTCCTCCAGCTCCCGA[G>A]ACAGGTCTGAGCGCAGCTTCTCCACCTTAGCCCTGGCGGTGCGCTCGGCCTCCAGCTCCT-3'
Protein context (NP_000248.2, residues 1130-1150): AKVEKLRSDL[Ser1140Phe]RELEEISERL

ClinVar aggregate classification (germline): Uncertain significance (1 of 4 stars; one submission).

Conditions:
Hypertrophic cardiomyopathy. Also called: HYPERTROPHIC MYOCARDIOPATHY. Identifiers: Orphanet 217569, MedGen C0007194, MeSH D002312, MONDO:0005045, HP:0001639.

gnomAD v4.1: 11 of 1,604,686 alleles (0.00069%); highest among the groups gnomAD compares: Non-Finnish European, 0.00093%; no homozygotes.

Submission:

Labcorp Genetics (formerly Invitae), Labcorp
Classification: Uncertain significance for Hypertrophic cardiomyopathy. Last evaluated: 2024-11-06. Review status: criteria provided, single submitter. Criteria: Invitae Variant Classification Sherloc (09022015). Collection method: clinical testing. Allele origin: germline.
Comment: This sequence change replaces serine, which is neutral and polar, with phenylalanine, which is neutral and non-polar, at codon 1140 of the MYH7 protein (p.Ser1140Phe). This variant is present in population databases (rs763119156, gnomAD 0.005%). This variant has not been reported in the literature in individuals affected with MYH7-related conditions. Invitae Evidence Modeling of protein sequence and biophysical properties (such as structural, functional, and spatial information, amino acid conservation, physicochemical variation, residue mobility, and thermodynamic stability) indicates that this missense variant is expected to disrupt MYH7 protein function with a positive predictive value of 95%. In summary, the available evidence is currently insufficient to determine the role of this variant in disease. Therefore, it has been classified as a Variant of Uncertain Significance.